The following is an entry in ClinVar:

ClinVar aggregate classification (germline): Uncertain significance. Review status: criteria provided, multiple submitters, no conflicts (2 of 4 stars). 2 submissions from 2 submitters: Uncertain significance (2). Last evaluated 2022-08-19.

Allele frequency attached by ClinVar (database versions not stated): ExAC 0.00001; gnomAD 0.00001; gnomAD exomes 0.00001; TOPMed 0.00002.

Submissions (2):

Blueprint Genetics
Classification: Uncertain significance. Last evaluated: 2022-08-19. Review status: criteria provided, single submitter. Criteria: ACMG Guidelines, 2015. Collection method: clinical testing. Allele origin: germline.

Labcorp Genetics (formerly Invitae), Labcorp
Classification: Uncertain significance. Last evaluated: 2022-06-26. Review status: criteria provided, single submitter. Criteria: Invitae Variant Classification Sherloc (09022015). Collection method: clinical testing. Allele origin: germline.
Comment: This sequence change replaces proline, which is neutral and non-polar, with serine, which is neutral and polar, at codon 1780 of the KIAA1549 protein (p.Pro1780Ser). The frequency data for this variant in the population databases is considered unreliable, as metrics indicate poor data quality at this position in the gnomAD database. This variant has not been reported in the literature in individuals affected with KIAA1549-related conditions. Algorithms developed to predict the effect of missense changes on protein structure and function (SIFT, PolyPhen-2, Align-GVGD) all suggest that this variant is likely to be tolerated. In summary, the available evidence is currently insufficient to determine the role of this variant in disease. Therefore, it has been classified as a Variant of Uncertain Significance.

NM_001164665.2(KIAA1549):c.5338C>T (p.Pro1780Ser)

Gene: KIAA1549 (KIAA1549; minus strand). Cytogenetic location: 7q34.
Variant type: single nucleotide variant.
Coding change: c.5338C>T on transcript NM_001164665.2 (MANE Select); coding-DNA position 5338, C replaced by T.
Protein change: p.Pro1780Ser; replaces proline 1780 with serine.
Molecular consequence: missense variant.
Genome position (GRCh38, 1-based): chr7:138,844,431, G>A on the plus strand (C>T on the coding strand, the complement: KIAA1549 is on the minus strand). VCF-style: chr7-138844431-G-A. GRCh37 (hg19) VCF-style: chr7-138529176-G-A.
Other names: c.5338C>T, p.Pro1780Ser (NM_020910.3); short protein forms P1780S.
Identifiers: ClinVar variation 1979638 (VCV001979638.2), dbSNP rs753042133, ClinGen allele CA4505591.